The following is an entry in ClinVar:

NM_000038.6(APC):c.1873C>T (p.Gln625Ter)

Gene: APC (APC regulator of Wnt signaling pathway; plus strand). Cytogenetic location: 5q22.2.
Variant type: single nucleotide variant.
Coding change: c.1873C>T on transcript NM_000038.6 (MANE Select); coding-DNA position 1873, C replaced by T.
Protein change: p.Gln625Ter; replaces glutamine 625 with a stop codon.
Molecular consequence: nonsense.
Genome position (GRCh38, 1-based): chr5:112,835,080, C>T. VCF-style: chr5-112835080-C-T. GRCh37 (hg19) VCF-style: chr5-112170777-C-T.
Other names: c.1600C>T, p.Gln534Ter (NM_001354902.2); c.1570C>T, p.Gln524Ter (NM_001354903.2); c.1495C>T, p.Gln499Ter (NM_001354904.2); c.1393C>T, p.Gln465Ter (NM_001354905.2); c.1024C>T, p.Gln342Ter (NM_001354906.2); c.1873C>T, p.Gln625Ter (NM_001127510.3, NM_001354895.2); c.1819C>T, p.Gln607Ter (NM_001127511.3); c.1927C>T, p.Gln643Ter (NM_001354896.2); and 5 more; short protein forms Q607*, Q625*, Q342*, Q465*, Q534*, Q584*, Q524*, Q597*.
Identifiers: ClinVar variation 232045 (VCV000232045.24), dbSNP rs876659517, ClinGen allele CA10578329.

ClinVar aggregate classification (germline): Pathogenic. Review status: criteria provided, multiple submitters, no conflicts (2 of 4 stars). 6 submissions from 6 submitters: Pathogenic (6). Last evaluated 2025-02-28.

Conditions:
Hereditary cancer-predisposing syndrome. Also called: Neoplastic Syndromes, Hereditary; Tumor predisposition; Hereditary Cancer Syndrome; Hereditary neoplastic syndrome. Identifiers: Orphanet 140162, MedGen C0027672, MeSH D009386, MONDO:0015356.
Familial multiple polyposis syndrome (FAP). Also called: Familial adenomatous polyposis; Familial intestinal polyposis; Familial Adenomatous Polyposis (FAP); Familial polyposis; Classic familial adenomatous polyposis. Identifiers: Orphanet 733, MedGen C0032580, MONDO:0021055. Disease mechanism: loss of function.
Familial adenomatous polyposis 1 (FAP1). Also called: FAMILIAL ADENOMATOUS POLYPOSIS 1, ATTENUATED; POLYPOSIS, ADENOMATOUS INTESTINAL. Identifiers: MedGen C2713442, MONDO:0021056, OMIM 175100. Disease mechanism: loss of function.

Allele frequency attached by ClinVar (database versions not stated): gnomAD exomes below 0.00001.
gnomAD v4.1: 1 of 1,614,102 alleles (0.000062%); highest among the groups gnomAD compares: Non-Finnish European, 0.000085%; no homozygotes.

Submissions (6):

Quest Diagnostics Nichols Institute San Juan Capistrano
Classification: Pathogenic. Last evaluated: 2025-02-28. Review status: criteria provided, single submitter. Criteria: Quest Diagnostics criteria. Collection method: clinical testing. Allele origin: unknown.
Comment: The APC c.1873C>T (p.Gln625*) variant causes the premature termination of APC protein synthesis. This variant has been reported in the published literature in individuals affected with Familial Adenomatous Polyposis (FAP) in the published literature (PMIDs: 35979026 (2022), 23159591 (2013), 23460355 (2013), 9950360 (1999), 1316610 (1992)). This variant has not been reported in large, multi-ethnic general populations (Genome Aggregation Database). Based on the available information, this variant is classified as pathogenic.

Labcorp Genetics (formerly Invitae), Labcorp
Classification: Pathogenic for Familial adenomatous polyposis 1. Last evaluated: 2024-07-01. Review status: criteria provided, single submitter. Criteria: Invitae Variant Classification Sherloc (09022015). Collection method: clinical testing. Allele origin: germline.
Comment: This sequence change creates a premature translational stop signal (p.Gln625*) in the APC gene. It is expected to result in an absent or disrupted protein product. Loss-of-function variants in APC are known to be pathogenic (PMID: 17963004, 20685668). This variant is not present in population databases (gnomAD no frequency). This premature translational stop signal has been observed in individual(s) with familial adenomatous polyposis (PMID: 1316610, 15951963, 23460355). ClinVar contains an entry for this variant (Variation ID: 232045). Algorithms developed to predict the effect of sequence changes on RNA splicing suggest that this variant may disrupt the consensus splice site. For these reasons, this variant has been classified as Pathogenic.

Ambry Genetics
Classification: Pathogenic for Hereditary cancer-predisposing syndrome. Last evaluated: 2024-05-01. Review status: criteria provided, single submitter. Criteria: Ambry Variant Classification Scheme 2023. Collection method: clinical testing. Allele origin: germline.
Comment: The p.Q625* pathogenic mutation (also known as c.1873C>T), located in coding exon 14 of the APC gene, results from a C to T substitution at nucleotide position 1873. This changes the amino acid from a glutamine to a stop codon within coding exon 14. This alteration has been reported in individuals with familial adenomatous polyposis (Ambry internal data; Kerr SE et al. J Mol Diagn, 2013 Jan;15:31-43; Miyoshi Y et al. Proc. Natl. Acad. Sci. U.S.A., 1992 May;89:4452-6; Wallis YL et al. J. Med. Genet., 1999 Jan;36:14-20; Cruz-Correa M et al. Fam. Cancer, 2013 Sep;12:555-62; Truta B et al. Fam. Cancer, 2005;4:127-33). This variant is considered to be rare based on population cohorts in the Genome Aggregation Database (gnomAD). In addition to the clinical information provided in the literature, this alteration is expected to result in loss of function by premature protein truncation or nonsense-mediated mRNA decay. As such, this alteration is interpreted as a disease-causing mutation.

Myriad Genetics, Inc.
Classification: Pathogenic for Familial adenomatous polyposis 1. Last evaluated: 2023-05-03. Review status: criteria provided, single submitter. Criteria: Myriad Autosomal Dominant, Autosomal Recessive and X-Linked Classification Criteria (2023). Collection method: clinical testing. Allele origin: unknown.
Comment: This variant is considered pathogenic. This variant creates a termination codon and is predicted to result in premature protein truncation.

GeneDx
Classification: Pathogenic. Last evaluated: 2022-06-30. Review status: criteria provided, single submitter. Criteria: GeneDx Variant Classification Process June 2021. Collection method: clinical testing. Allele origin: germline. Affected: yes.
Comment: Nonsense variant predicted to result in protein truncation or nonsense mediated decay in a gene for which loss of function is a known mechanism of disease; Not observed at significant frequency in large population cohorts (gnomAD); This variant is associated with the following publications: (PMID: 28073006, 1316610, 9950360, 28576136, 28127413, 23460355, 23159591, 15951963, 25525159, 20808249)

Women's Health and Genetics/Laboratory Corporation of America, LabCorp
Classification: Pathogenic for Familial adenomatous polyposis. Last evaluated: 2019-06-24. Review status: criteria provided, single submitter. Criteria: LabCorp Variant Classification Summary - May 2015. Collection method: clinical testing. Allele origin: germline.
Comment: Variant summary: APC c.1873C>T (p.Gln625X) results in a premature termination codon, predicted to cause a truncation of the encoded protein or absence of the protein due to nonsense mediated decay, which are commonly known mechanisms for disease. Truncations downstream of this position have been classified as pathogenic by our laboratory. The variant was absent in 251366 control chromosomes. c.1873C>T has been reported in the literature in multiple individuals affected with Familial Adenomatous Polyposis (Miyoshi_1992, Truta_2005, Wallis_1999, Kerr_2013, Cruz-Correa_2013). These data indicate that the variant is very likely to be associated with disease. To our knowledge, no experimental evidence demonstrating an impact on protein function has been reported. Two clinical diagnostic laboratories have submitted clinical-significance assessments for this variant to ClinVar after 2014 without evidence for independent evaluation and classified the variant as pathogenic. Based on the evidence outlined above, the variant was classified as pathogenic.

Literature cited by the submitters: PubMed 9950360 (cited by 3 submitters); PubMed 23159591 (cited by 3 submitters); PubMed 23460355 (cited by 4 submitters); PubMed 1316610 (cited by 4 submitters); PubMed 28576136 (cited by Quest Diagnostics Nichols Institute San Juan Capistrano); PubMed 28127413 (cited by Quest Diagnostics Nichols Institute San Juan Capistrano); PubMed 35979026 (cited by Quest Diagnostics Nichols Institute San Juan Capistrano); PubMed 17963004 (cited by Labcorp Genetics (formerly Invitae), Labcorp); PubMed 20685668 (cited by Labcorp Genetics (formerly Invitae), Labcorp); PubMed 15951963 (cited by 3 submitters).